The following is an entry in ClinVar:

NM_001365951.3(KIF1B):c.1195G>A (p.Asp399Asn)

Gene: KIF1B (kinesin family member 1B; plus strand). Cytogenetic location: 1p36.22.
Variant type: single nucleotide variant.
Coding change: c.1195G>A on transcript NM_001365951.3 (MANE Select); coding-DNA position 1195, G replaced by A.
Protein change: p.Asp399Asn; replaces aspartic acid 399 with asparagine.
Molecular consequence: missense variant. On other transcripts: intron variant (3).
Genome position (GRCh38, 1-based): chr1:10,279,111, G>A. VCF-style: chr1-10279111-G-A. GRCh37 (hg19) VCF-style: chr1-10339169-G-A.
Other names: c.1195G>A, p.Asp399Asn (NM_001365952.1); c.1162+983G>A (NM_183416.4, NM_015074.3, NM_001365953.1); short protein forms D399N.
Identifiers: ClinVar variation 2630968 (VCV002630968.1), dbSNP rs1021754900, ClinGen allele CA17840756.
Genomic context (GRCh38, chr1:10,279,111, plus strand): 5'-CCTGAACTTTGACCCTTCTCGTATTTTCCCTCCTGCTTACCTTCAGTTGATCCATTGATC[G>A]ATGATTACTCTGGAAGTGGAAGCAAATGTGTGTATTTCACATATTGGTTATTTCCAGTAC-3'
Protein context (NP_001352880.1, residues 389-409): GDIIDIDPLI[Asp399Asn]DYSGSGSKYL

ClinVar aggregate classification (germline): Uncertain significance (1 of 4 stars; one submission).

Conditions:
KIF1B-related disorder. Also called: KIF1B-related condition.

Allele frequency attached by ClinVar (database versions not stated): TOPMed 0.00001.

Submission:

PreventionGenetics, part of Exact Sciences
Classification: Uncertain significance for KIF1B-related condition. Last evaluated: 2023-09-05. Review status: criteria provided, single submitter. Criteria: ACMG Guidelines, 2015. Collection method: clinical testing. Allele origin: germline.
Comment: The KIF1B c.1195G>A variant is predicted to result in the amino acid substitution p.Asp399Asn. To our knowledge, this variant has not been reported in the literature. This variant is reported in 0.0018% of alleles in individuals of European (Non-Finnish) descent in gnomAD. At this time, the clinical significance of this variant is uncertain due to the absence of conclusive functional and genetic evidence.